The following is an entry in ClinVar:

NM_139281.3(WDR36):c.334T>C (p.Leu112=)

Gene: WDR36 (WD repeat domain 36; plus strand). Cytogenetic location: 5q22.1.
Variant type: single nucleotide variant.
Coding change: c.334T>C on transcript NM_139281.3 (MANE Select); coding-DNA position 334, T replaced by C.
Protein change: p.Leu112=; no amino-acid change (leucine 112 retained).
Molecular consequence: synonymous variant.
Genome position (GRCh38, 1-based): chr5:111,098,764, T>C. VCF-style: chr5-111098764-T-C. GRCh37 (hg19) VCF-style: chr5-110434462-T-C.
Identifiers: ClinVar variation 3057998 (VCV003057998.2), dbSNP rs150299003, ClinGen allele CA124903003.
Genomic context (GRCh38, chr5:111,098,764, plus strand): 5'-TAAACTTCGATGTTTTAGATAGTACATACCTTTAAGGGTCATAAGGCAGAAATCCATTTC[T>C]TGCAACCCTTTGGAGACCACATTATCTCTGTTGATACTGATGGCATTCTTATTATTTGGC-3'
Protein context (NP_644810.2, residues 102-122): FKGHKAEIHF[Leu112=]QPFGDHIISV

ClinVar aggregate classification (germline): Likely benign (0 of 4 stars; one submission).

Conditions:
WDR36-related disorder. Also called: WDR36-related condition.

Allele frequency attached by ClinVar (database versions not stated): gnomAD 0.00003; TOPMed 0.00005; ESP Exome Variant Server 0.00008; gnomAD exomes 0.00010.
gnomAD v4.1: 152 of 1,612,712 alleles (0.0094%); highest among the groups gnomAD compares: Non-Finnish European, 0.012%; no homozygotes.

Submission:

PreventionGenetics, part of Exact Sciences
Classification: Likely benign for WDR36-related condition. Last evaluated: 2019-04-01. Review status: no assertion criteria provided. Collection method: clinical testing. Allele origin: germline.
Comment: This variant is classified as likely benign based on ACMG/AMP sequence variant interpretation guidelines (Richards et al. 2015 PMID: 25741868, with internal and published modifications).